The following is an entry in ClinVar:

NM_004380.3(CREBBP):c.2005_2006delinsT (p.Lys668_Arg669insTer)

Gene: CREBBP (CREB binding lysine acetyltransferase; minus strand). Cytogenetic location: 16p13.3.
Variant type: Indel.
Coding change: c.2005_2006delinsT on transcript NM_004380.3 (MANE Select); coding-DNA positions 2005 to 2006, CG replaced by T.
Protein change: p.Lys668_Arg669insTer.
Molecular consequence: nonsense.
Genome position (GRCh38, 1-based): chr16:3,778,118-3,778,119, CG replaced by A on the plus strand (CG replaced by T on the coding strand, the reverse complement: CREBBP is on the minus strand). VCF-style: chr16-3778118-CG-A. GRCh37 (hg19) VCF-style: chr16-3828119-CG-A.
Other names: c.1891_1892delinsT, p.Lys630_Arg631insTer (NM_001079846.1).
Identifiers: ClinVar variation 639046 (VCV000639046.5), dbSNP rs1596908213, ClinGen allele CA915949098.

ClinVar aggregate classification (germline): Pathogenic (1 of 4 stars; one submission).

Conditions:
Rubinstein-Taybi syndrome (RSTS). Identifiers: Orphanet 783, MedGen C0035934, MONDO:0019188.

Submission:

Labcorp Genetics (formerly Invitae), Labcorp
Classification: Pathogenic for Rubinstein-Taybi syndrome. Last evaluated: 2018-12-12. Review status: criteria provided, single submitter. Criteria: Invitae Variant Classification Sherloc (09022015). Collection method: clinical testing. Allele origin: germline.
Comment: This sequence change creates a premature translational stop signal (p.Arg669*) in the CREBBP gene. It is expected to result in an absent or disrupted protein product. This variant is not present in population databases (ExAC no frequency). Loss-of-function variants in CREBBP are known to be pathogenic (PMID: 17052327, 18792986). For these reasons, this variant has been classified as Pathogenic.

Literature cited by the submitters: PubMed 17052327; PubMed 18792986.